The following is an entry in ClinVar:

ClinVar aggregate classification (germline): Likely pathogenic. Review status: criteria provided, multiple submitters, no conflicts (2 of 4 stars). 2 submissions from 2 submitters: Likely pathogenic (2). Last evaluated 2025-02-14.

Submissions (2):

GeneDx
Classification: Likely pathogenic. Last evaluated: 2025-02-14. Review status: criteria provided, single submitter. Criteria: GeneDx Variant Classification Process June 2021. Collection method: clinical testing. Allele origin: germline.
Comment: Variant has been reported in the literature in individuals with an atypical presentation of GNAS-related disorder (PMID: 31286103) or with limited clinical details and molecular assessment (PMID: 25802881); In silico analysis supports that this missense variant has a deleterious effect on protein structure/function; Not observed at significant frequency in large population cohorts (gnomAD); This variant is associated with the following publications: (PMID: 25802881, 31286103)

Labcorp Genetics (formerly Invitae), Labcorp
Classification: Likely pathogenic. Last evaluated: 2023-03-10. Review status: criteria provided, single submitter. Criteria: Invitae Variant Classification Sherloc (09022015). Collection method: clinical testing. Allele origin: germline.
Comment: In summary, the currently available evidence indicates that the variant is pathogenic, but additional data are needed to prove that conclusively. Therefore, this variant has been classified as Likely Pathogenic. Advanced modeling of protein sequence and biophysical properties (such as structural, functional, and spatial information, amino acid conservation, physicochemical variation, residue mobility, and thermodynamic stability) performed at Invitae indicates that this missense variant is not expected to disrupt GNAS protein function. ClinVar contains an entry for this variant (Variation ID: 2138361). This variant is also known as p.E169K. This missense change has been observed in individuals with Albright’s Hereditary Osteodystrophy and/or pseudohypoparathyroidism type 1a (PMID: 25802881, 31286103; Invitae). It has also been observed to segregate with disease in related individuals. This variant is not present in population databases (gnomAD no frequency). This sequence change replaces glutamic acid, which is acidic and polar, with lysine, which is basic and polar, at codon 168 of the GNAS protein (p.Glu168Lys).

Literature cited by the submitters: PubMed 25802881 (cited by Labcorp Genetics (formerly Invitae), Labcorp); PubMed 31286103 (cited by Labcorp Genetics (formerly Invitae), Labcorp).

NM_000516.7(GNAS):c.502G>A (p.Glu168Lys)

Gene: GNAS (GNAS complex locus; plus strand). Cytogenetic location: 20q13.32.
Variant type: single nucleotide variant.
Coding change: c.502G>A on transcript NM_000516.7 (MANE Select); coding-DNA position 502, G replaced by A.
Protein change: p.Glu168Lys; replaces glutamic acid 168 with lysine.
Molecular consequence: missense variant. On other transcripts: 3 prime UTR variant (2).
Genome position (GRCh38, 1-based): chr20:58,905,452, G>A. VCF-style: chr20-58905452-G-A. GRCh37 (hg19) VCF-style: chr20-57480507-G-A.
Other names: c.505G>A, p.Glu169Lys (NM_001077488.5); c.457G>A, p.Glu153Lys (NM_001077489.4); c.*363G>A (NM_001077490.3); c.325G>A, p.Glu109Lys (NM_001309840.2, NM_001309861.2); c.406G>A, p.Glu136Lys (NM_001410912.1); c.2386G>A, p.Glu796Lys (NM_001410913.1); c.*408G>A (NM_016592.5); c.2431G>A, p.Glu811Lys (NM_080425.4); and 2 more; short protein forms E154K, E109K, E169K, E136K, E796K, E811K, E153K, E168K.
Identifiers: ClinVar variation 2138361 (VCV002138361.6), dbSNP rs2146210724, ClinGen allele CA409451261.